The following is an entry in ClinVar:

ClinVar aggregate classification (germline): Likely benign (1 of 4 stars; one submission).

Allele frequency attached by ClinVar (database versions not stated): gnomAD 0.01111 and 0.01176; TOPMed 0.01226; 1000 Genomes Project 0.01498.

Submission:

GeneDx
Classification: Likely benign. Last evaluated: 2021-05-24. Review status: criteria provided, single submitter. Criteria: GeneDx Variant Classification Process June 2021. Collection method: clinical testing. Allele origin: germline. Affected: yes.
Comment: See Variant Classification Assertion Criteria.

NM_006946.4(SPTBN2):c.158-218_158-217insAAA

Gene: SPTBN2 (spectrin beta, non-erythrocytic 2; minus strand). Cytogenetic location: 11q13.2.
Variant type: Insertion.
Coding change: c.158-218_158-217insAAA on transcript NM_006946.4 (MANE Select); 218 bases into the intron before coding-DNA position 158 through 217 bases into the intron before coding-DNA position 158, AAA inserted.
Molecular consequence: intron variant.
Genome position: GRCh38 VCF-style: chr11-66716198-C-CTTT. GRCh37 (hg19) VCF-style: chr11-66483669-C-CTTT.
Identifiers: ClinVar variation 1683860 (VCV001683860.2), dbSNP rs201358632, ClinGen allele CA224097361.
Genomic context (GRCh38, chr11:66,716,198, plus strand): 5'-CGTAACTTGCAATGAGCTCATAAGCAAGGTAAAGAAGAAAGATGAAAGACAGAAAATAGG[C>CTTT]GAAGGTTGGGTGTGGTGGCTCATGCCTGTAATCCCAGCACTTTGGGAAGCCAAGGCGGGC-3'